The following is an entry in ClinVar:

NM_006245.4(PPP2R5D):c.1471G>C (p.Glu491Gln)

Gene: PPP2R5D (protein phosphatase 2 regulatory subunit B'delta; plus strand). Cytogenetic location: 6p21.1.
Variant type: single nucleotide variant.
Coding change: c.1471G>C on transcript NM_006245.4 (MANE Select); coding-DNA position 1471, G replaced by C.
Protein change: p.Glu491Gln; replaces glutamic acid 491 with glutamine.
Molecular consequence: missense variant.
Genome position (GRCh38, 1-based): chr6:43,010,559, G>C. VCF-style: chr6-43010559-G-C. GRCh37 (hg19) VCF-style: chr6-42978297-G-C.
Other names: c.1018G>C, p.Glu340Gln (NM_001270476.2); c.1375G>C, p.Glu459Gln (NM_180976.3); c.1153G>C, p.Glu385Gln (NM_180977.3); short protein forms E340Q, E385Q, E459Q, E491Q.
Identifiers: ClinVar variation 1308171 (VCV001308171.2), dbSNP rs2150283103, ClinGen allele CA364142049.

ClinVar aggregate classification (germline): Uncertain significance (1 of 4 stars; one submission).

gnomAD v4.1: 1 of 1,614,074 alleles (0.000062%); no homozygotes.

Submission:

GeneDx
Classification: Uncertain significance. Last evaluated: 2019-09-04. Review status: criteria provided, single submitter. Criteria: GeneDx Variant Classification Process June 2021. Collection method: clinical testing. Allele origin: germline. Affected: yes.
Comment: Not observed in large population cohorts (Lek et al., 2016); In silico analysis, which includes protein predictors and evolutionary conservation, supports a deleterious effect; Has not been previously published as pathogenic or benign to our knowledge